The following is an entry in ClinVar:

ClinVar aggregate classification (germline): Uncertain significance (1 of 4 stars; one submission).

Submission:

Labcorp Genetics (formerly Invitae), Labcorp
Classification: Uncertain significance. Last evaluated: 2023-08-04. Review status: criteria provided, single submitter. Criteria: Invitae Variant Classification Sherloc (09022015). Collection method: clinical testing. Allele origin: germline.
Comment: This sequence change replaces proline, which is neutral and non-polar, with serine, which is neutral and polar, at codon 1359 of the COL11A1 protein (p.Pro1359Ser). This variant is not present in population databases (gnomAD no frequency). This variant has not been reported in the literature in individuals affected with COL11A1-related conditions. ClinVar contains an entry for this variant (Variation ID: 2093050). Advanced modeling of protein sequence and biophysical properties (such as structural, functional, and spatial information, amino acid conservation, physicochemical variation, residue mobility, and thermodynamic stability) performed at Invitae indicates that this missense variant is not expected to disrupt COL11A1 protein function. In summary, the available evidence is currently insufficient to determine the role of this variant in disease. Therefore, it has been classified as a Variant of Uncertain Significance.

NM_001854.4(COL11A1):c.4075C>T (p.Pro1359Ser)

Gene: COL11A1 (collagen type XI alpha 1 chain; minus strand). Cytogenetic location: 1p21.1.
Variant type: single nucleotide variant.
Coding change: c.4075C>T on transcript NM_001854.4 (MANE Select); coding-DNA position 4075, C replaced by T.
Protein change: p.Pro1359Ser; replaces proline 1359 with serine.
Molecular consequence: missense variant. On other transcripts: non-coding transcript variant (1).
Genome position (GRCh38, 1-based): chr1:102,912,170, G>A on the plus strand (C>T on the coding strand, the complement: COL11A1 is on the minus strand). VCF-style: chr1-102912170-G-A. GRCh37 (hg19) VCF-style: chr1-103377726-G-A.
Other names: c.3727C>T, p.Pro1243Ser (NM_001168249.1, NM_080630.4); c.3958C>T, p.Pro1320Ser (NM_001190709.2); c.4111C>T, p.Pro1371Ser (NM_080629.3); short protein forms P1371S, P1320S, P1243S, P1359S.
Identifiers: ClinVar variation 2093050 (VCV002093050.4), dbSNP rs1654762457, ClinGen allele CA341160169.